The following is an entry in ClinVar:

NM_024620.4(ZNF329):c.587A>G (p.Asn196Ser)

Gene: ZNF329 (zinc finger protein 329; minus strand). Cytogenetic location: 19q13.43.
Variant type: single nucleotide variant.
Coding change: c.587A>G on transcript NM_024620.4 (MANE Select); coding-DNA position 587, A replaced by G.
Protein change: p.Asn196Ser; replaces asparagine 196 with serine.
Molecular consequence: missense variant.
Genome position (GRCh38, 1-based): chr19:58,128,917, T>C on the plus strand (A>G on the coding strand, the complement: ZNF329 is on the minus strand). VCF-style: chr19-58128917-T-C. GRCh37 (hg19) VCF-style: chr19-58640284-T-C.
Other names: short protein forms N196S.
Identifiers: ClinVar variation 2650582 (VCV002650582.24), dbSNP rs34681367, ClinGen allele CA9711750.

ClinVar aggregate classification (germline): Likely benign (1 of 4 stars; one submission).

Allele frequency attached by ClinVar (database versions not stated): 1000 Genomes Project 30x 0.00078; 1000 Genomes Project 0.00100; gnomAD 0.00364; TOPMed 0.00371; ExAC 0.00382; ESP Exome Variant Server 0.00384; gnomAD exomes 0.00492.
gnomAD v4.1: 7,746 of 1,614,088 alleles (0.48%); highest among the groups gnomAD compares: Non-Finnish European, 0.56%; 26 homozygotes.

Submission:

CeGaT Center for Human Genetics Tuebingen
Classification: Likely benign. Last evaluated: 2023-04-01. Review status: criteria provided, single submitter. Criteria: CeGaT Center For Human Genetics Tuebingen Variant Classification Criteria Version 2. Collection method: clinical testing. Allele origin: germline. Affected: yes. Observed: 1 variant allele.
Comment: ZNF329: BP4, BS2